The following is an entry in ClinVar:

ClinVar aggregate classification (germline): Uncertain significance (1 of 4 stars; one submission).

Allele frequency attached by ClinVar (database versions not stated): gnomAD exomes 0.00001; TOPMed 0.00001; ExAC 0.00002; gnomAD 0.00002; ESP Exome Variant Server 0.00015.
gnomAD v4.1: 16 of 1,613,810 alleles (0.00099%); highest among the groups gnomAD compares: African/African-American, 0.0013%; no homozygotes.

Submission:

GeneDx
Classification: Uncertain significance. Last evaluated: 2022-12-05. Review status: criteria provided, single submitter. Criteria: GeneDx Variant Classification Process June 2021. Collection method: clinical testing. Allele origin: germline. Affected: yes.
Comment: Not observed at significant frequency in large population cohorts (gnomAD); In silico analysis supports that this missense variant does not alter protein structure/function; Has not been previously published as pathogenic or benign to our knowledge

NM_000552.5(VWF):c.5518G>T (p.Ala1840Ser)

Gene: VWF (von Willebrand factor; minus strand). Cytogenetic location: 12p13.31.
Variant type: single nucleotide variant.
Coding change: c.5518G>T on transcript NM_000552.5 (MANE Select); coding-DNA position 5518, G replaced by T.
Protein change: p.Ala1840Ser; replaces alanine 1840 with serine.
Molecular consequence: missense variant.
Genome position (GRCh38, 1-based): chr12:6,013,583, C>A on the plus strand (G>T on the coding strand, the complement: VWF is on the minus strand). VCF-style: chr12-6013583-C-A. GRCh37 (hg19) VCF-style: chr12-6122749-C-A.
Other names: short protein forms A1840S.
Identifiers: ClinVar variation 2504800 (VCV002504800.1), dbSNP rs376350586, ClinGen allele CA6402242.